The following is an entry in ClinVar:

ClinVar aggregate classification (germline): Uncertain significance (1 of 4 stars; one submission).

Conditions:
Breast-ovarian cancer, familial, susceptibility to, 1 (BROVCA1). Also called: BRCA1 Hereditary Breast and Ovarian Cancer; OVARIAN CANCER, SUSCEPTIBILITY TO. Identifiers: Orphanet 145, MedGen C2676676, MONDO:0011450, OMIM 604370. Disease mechanism: loss of function.

Submission:

All of Us Research Program, National Institutes of Health
Classification: Uncertain significance for Breast-ovarian cancer, familial, susceptibility to, 1. Last evaluated: 2023-06-26. Review status: criteria provided, single submitter. Criteria: ACMG Guidelines, 2015. Collection method: clinical testing. Allele origin: germline. Inheritance: Autosomal dominant inheritance. Observed: 1 variant allele, 1 heterozygote.
Comment: This missense variant replaces lysine with glutamine at codon 309 of the BRCA1 protein. Computational prediction is inconclusive regarding the impact of this variant on protein structure and function (internally defined REVEL score threshold 0.5 < inconclusive < 0.7, PMID: 27666373). To our knowledge, functional studies have not been reported for this variant. This variant has not been reported as a germline variant in individuals affected with BRCA1-related disorders in the literature. This variant has not been identified in the general population by the Genome Aggregation Database (gnomAD). The available evidence is insufficient to determine the role of this variant in disease conclusively. Therefore, this variant is classified as a Variant of Uncertain Significance.

This study involves interpretation of variants in research participants for the purpose of population health screening. Participant phenotype was not available at the time of variant classification. Additional details can be found in publication PMID: 35346344, PMCID: PMC8962531

NM_007294.4(BRCA1):c.925A>C (p.Lys309Gln)

Gene: BRCA1 (BRCA1 DNA repair associated; minus strand). Cytogenetic location: 17q21.31.
Variant type: single nucleotide variant.
Coding change: c.925A>C on transcript NM_007294.4 (MANE Select); coding-DNA position 925, A replaced by C.
Protein change: p.Lys309Gln; replaces lysine 309 with glutamine.
Molecular consequence: missense variant. On other transcripts: intron variant (137).
Genome position (GRCh38, 1-based): chr17:43,094,606, T>G on the plus strand (A>C on the coding strand, the complement: BRCA1 is on the minus strand). VCF-style: chr17-43094606-T-G. GRCh37 (hg19) VCF-style: chr17-41246623-T-G.
Other names: c.802A>C, p.Lys268Gln (NM_001407667.1, NM_001407668.1, NM_001407669.1 and 19 more transcripts); c.799A>C, p.Lys267Gln (NM_001407670.1, NM_001407671.1, NM_001407672.1 and 11 more transcripts); c.784A>C, p.Lys262Gln (NM_001407692.1, NM_001407694.1, NM_001407730.1 and 29 more transcripts); c.781A>C, p.Lys261Gln (NM_001407749.1, NM_001407838.1, NM_001407839.1 and 20 more transcripts); c.925A>C, p.Lys309Gln (NM_001407854.1, NM_001407858.1, NM_001407859.1 and 30 more transcripts); c.922A>C, p.Lys308Gln (NM_001407860.1, NM_001407861.1, NM_001407587.1 and 22 more transcripts); c.724A>C, p.Lys242Gln (NM_001407862.1); c.721A>C, p.Lys241Gln (NM_001407874.1, NM_001407875.1); and 40 more; short protein forms K13Q, K141Q, K181Q, K182Q, K197Q, K198Q, K220Q, K221Q.
Identifiers: ClinVar variation 3071943 (VCV003071943.1), dbSNP rs879255498, ClinGen allele CA10600218.